The following is an entry in ClinVar:

NM_031407.7(HUWE1):c.1880T>C (p.Phe627Ser)

Gene: HUWE1 (HECT, UBA and WWE domain containing E3 ubiquitin protein ligase 1; minus strand). Cytogenetic location: Xp11.22.
Variant type: single nucleotide variant.
Coding change: c.1880T>C on transcript NM_031407.7 (MANE Select); coding-DNA position 1880, T replaced by C.
Protein change: p.Phe627Ser; replaces phenylalanine 627 with serine.
Molecular consequence: missense variant.
Genome position (GRCh38, 1-based): chrX:53,617,047, A>G on the plus strand (T>C on the coding strand, the complement: HUWE1 is on the minus strand). VCF-style: chrX-53617047-A-G. GRCh37 (hg19) VCF-style: chrX-53644008-A-G.
Other names: short protein forms F627S.
Identifiers: ClinVar variation 3253332 (VCV003253332.2), dbSNP rs2527485391.

ClinVar aggregate classification (germline): Uncertain significance. Review status: criteria provided, multiple submitters, no conflicts (2 of 4 stars). 2 submissions from 2 submitters: Uncertain significance (2). Last evaluated 2024-12-19.

Conditions:
Intellectual developmental disorder, X-linked, syndromic, Turner type. Also called: X-linked intellectual disability, Turner type; Intellectual disability, X-linked syndromic, Turner type. Identifiers: Orphanet 3056, Orphanet 85328, MedGen C2678046, MONDO:0010407, OMIM 309590.

Submissions (2):

Genomic Medicine Center of Excellence, King Faisal Specialist Hospital and Research Centre
Classification: Uncertain significance for Intellectual developmental disorder, X-linked, syndromic, Turner type. Last evaluated: 2024-12-19. Review status: criteria provided, single submitter. Criteria: ACMG Guidelines, 2015. Collection method: clinical testing. Allele origin: germline.

GeneDx
Classification: Uncertain significance. Last evaluated: 2023-04-18. Review status: criteria provided, single submitter. Criteria: GeneDx Variant Classification Process June 2021. Collection method: clinical testing. Allele origin: germline. Affected: yes.
Comment: Not observed at significant frequency in large population cohorts (gnomAD); In silico analysis supports that this missense variant has a deleterious effect on protein structure/function; Has not been previously published as pathogenic or benign to our knowledge